The following is an entry in ClinVar:

NM_004187.5(KDM5C):c.1766del (p.Cys589fs)

Gene: KDM5C (lysine demethylase 5C; minus strand). Cytogenetic location: Xp11.22.
Variant type: Deletion.
Coding change: c.1766del on transcript NM_004187.5 (MANE Select); coding-DNA position 1766, one base deleted (G; older notation c.1766delG).
Protein change: p.Cys589fs; shifts the reading frame from cysteine 589.
Molecular consequence: frameshift variant. On other transcripts: non-coding transcript variant (3).
Genome position (GRCh38, 1-based): chrX:53,201,954, C deleted on the plus strand (G on the coding strand, the reverse complement: KDM5C is on the minus strand). VCF-style (leftmost placement, unchanged base first): chrX-53201953-AC-A. GRCh37 (hg19) VCF-style: chrX-53231135-AC-A.
Other names: c.1565del, p.Cys522fs (NM_001146702.2); c.1763del, p.Cys588fs (NM_001282622.3, NM_001353979.2, NM_001353982.2); c.1766del, p.Cys589fs (NM_001353978.3, NM_001353981.2, NM_001353984.2); short protein forms C588fs, C522fs, C589fs.
Identifiers: ClinVar variation 1381696 (VCV001381696.6), dbSNP rs2146868820, ClinGen allele CA2573158978.

ClinVar aggregate classification (germline): Pathogenic (1 of 4 stars; one submission).

Conditions:
Spastic paraplegia. Identifiers: MedGen C0037772, HP:0001258.

Submission:

Labcorp Genetics (formerly Invitae), Labcorp
Classification: Pathogenic for Spastic paraplegia. Last evaluated: 2021-01-14. Review status: criteria provided, single submitter. Criteria: Invitae Variant Classification Sherloc (09022015). Collection method: clinical testing. Allele origin: germline.
Comment: For these reasons, this variant has been classified as Pathogenic. This variant has not been reported in the literature in individuals with KDM5C-related conditions. This variant is not present in population databases (ExAC no frequency). This sequence change creates a premature translational stop signal (p.Cys589Leufs*70) in the KDM5C gene. It is expected to result in an absent or disrupted protein product. Loss-of-function variants in KDM5C are known to be pathogenic (PMID: 15586325, 18697827).

Literature cited by the submitters: PubMed 15586325; PubMed 18697827.